The following is an entry in ClinVar:

ClinVar aggregate classification (germline): Uncertain significance (1 of 4 stars; one submission).

Submission:

Dasa
Classification: Uncertain significance. Last evaluated: 2026-01-19. Review status: criteria provided, single submitter. Criteria: DASA Assertion Criteria. Collection method: clinical testing. Allele origin: germline.
Comment: NM_015021.3(ZNF292):c.6958C>G (p.His2320Asp) is a missense variant that results in the substitution of histidine with aspartic acid. This variant is rare in population databases. Computational prediction algorithms are consistent with a benign effect. The currently available literature and clinical evidence are not sufficient to establish a definitive association between this variant and the reported condition. Therefore, this variant is classified as a variant of uncertain significance.

NM_015021.3(ZNF292):c.6958C>G (p.His2320Asp)

Gene: ZNF292 (zinc finger protein 292; plus strand). Cytogenetic location: 6q14.3.
Variant type: single nucleotide variant.
Coding change: c.6958C>G on transcript NM_015021.3 (MANE Select); coding-DNA position 6958, C replaced by G.
Protein change: p.His2320Asp; replaces histidine 2320 with aspartic acid.
Molecular consequence: missense variant.
Genome position (GRCh38, 1-based): chr6:87,260,587, C>G. VCF-style: chr6-87260587-C-G. GRCh37 (hg19) VCF-style: chr6-87970305-C-G.
Other names: c.6538C>G, p.His2180Asp (NM_001351444.2); short protein forms H2180D, H2320D.
Identifiers: ClinVar variation 4884940 (VCV004884940.2).